The following is an entry in ClinVar:

NM_174934.4(SCN4B):c.463+1G>A

Genes: SCN4B (sodium voltage-gated channel beta subunit 4; minus strand), LOC126861356 (BRD4-independent group 4 enhancer GRCh37_chr11:118014519-118015718; plus strand). Cytogenetic location: 11q23.3.
Variant type: single nucleotide variant.
Coding change: c.463+1G>A on transcript NM_174934.4 (MANE Select); the canonical splice donor site of the intron after coding-DNA position 463, G replaced by A.
Molecular consequence: splice donor variant. On other transcripts: intron variant (1).
Genome position (GRCh38, 1-based): chr11:118,143,832, C>T on the plus strand (G>A on the coding strand, the complement: SCN4B is on the minus strand). VCF-style: chr11-118143832-C-T. GRCh37 (hg19) VCF-style: chr11-118014547-C-T.
Other names: c.62-2496G>A (NM_001142348.2); c.133+1G>A (NM_001142349.2).
Identifiers: ClinVar variation 3022695 (VCV003022695.3), dbSNP rs369073453, ClinGen allele CA6300210.

ClinVar aggregate classification (germline): Uncertain significance (1 of 4 stars; one submission).

Conditions:
Long QT syndrome 10 (LQT10). Identifiers: Orphanet 101016, Orphanet 768, MedGen C2678484, MONDO:0012737, OMIM 611819.

Allele frequency attached by ClinVar (database versions not stated): ExAC 0.00001; gnomAD 0.00001; gnomAD exomes 0.00001; TOPMed 0.00003; ESP Exome Variant Server 0.00008.

Submission:

Labcorp Genetics (formerly Invitae), Labcorp
Classification: Uncertain significance for Long QT syndrome 10. Last evaluated: 2025-11-13. Review status: criteria provided, single submitter. Criteria: Invitae Variant Classification Sherloc (09022015). Collection method: clinical testing. Allele origin: germline.
Comment: This sequence change affects a donor splice site in intron 3 of the SCN4B gene. It is expected to disrupt RNA splicing. Variants that disrupt the donor or acceptor splice site typically lead to a loss of protein function (PMID: 16199547), however the current clinical and genetic evidence is not sufficient to establish whether loss-of-function variants in SCN4B cause disease. This variant is present in population databases (rs369073453, gnomAD 0.003%). This variant has not been reported in the literature in individuals affected with SCN4B-related conditions. ClinVar contains an entry for this variant (Variation ID: 3022695). Algorithms developed to predict the effect of sequence changes on RNA splicing suggest that this variant may disrupt the consensus splice site. In summary, the available evidence is currently insufficient to determine the role of this variant in disease. Therefore, it has been classified as a Variant of Uncertain Significance.

Literature cited by the submitters: PubMed 16199547.